The following is an entry in ClinVar:

ClinVar aggregate classification (germline): Benign. Review status: criteria provided, multiple submitters, no conflicts (2 of 4 stars). 2 submissions from 2 submitters: Benign (2). Last evaluated 2018-06-14.

Allele frequency attached by ClinVar (database versions not stated): 1000 Genomes Project 0.33167; 1000 Genomes Project 30x 0.33713; gnomAD exomes 0.38986; gnomAD 0.41416 and 0.42314; TOPMed 0.42042.
gnomAD v4.1: 600,792 of 1,532,774 alleles (39%); highest among the groups gnomAD compares: African/African-American, 55%; 122,934 homozygotes.

Submissions (2):

GeneDx
Classification: Benign. Last evaluated: 2018-06-14. Review status: criteria provided, single submitter. Criteria: GeneDx Variant Classification (06012015). Collection method: clinical testing. Allele origin: germline. Affected: yes.
Comment: This variant is considered likely benign or benign based on one or more of the following criteria: it is a conservative change, it occurs at a poorly conserved position in the protein, it is predicted to be benign by multiple in silico algorithms, and/or has population frequency not consistent with disease.

Breakthrough Genomics
Classification: Benign. Review status: criteria provided, single submitter. Criteria: ACMG Guidelines, 2015. Collection method: not provided. Allele origin: germline. Inheritance: Autosomal recessive inheritance. Affected: yes.

NM_024809.5(TCTN2):c.1234+97G>A

Gene: TCTN2 (tectonic family member 2; plus strand). Cytogenetic location: 12q24.31.
Variant type: single nucleotide variant.
Coding change: c.1234+97G>A on transcript NM_024809.5 (MANE Select); 97 bases into the intron after coding-DNA position 1234, G replaced by A.
Molecular consequence: intron variant.
Genome position (GRCh38, 1-based): chr12:123,695,073, G>A. VCF-style: chr12-123695073-G-A. GRCh37 (hg19) VCF-style: chr12-124179620-G-A.
Other names: c.1231+97G>A (NM_001143850.3).
Identifiers: ClinVar variation 675016 (VCV000675016.2), dbSNP rs12828633, ClinGen allele CA13768700.